The following is an entry in ClinVar:

NM_001372123.1(IKZF5):c.1150G>A (p.Gly384Arg)

Gene: IKZF5 (IKAROS family zinc finger 5; minus strand). Cytogenetic location: 10q26.13.
Variant type: single nucleotide variant.
Coding change: c.1150G>A on transcript NM_001372123.1 (MANE Select); coding-DNA position 1150, G replaced by A.
Protein change: p.Gly384Arg; replaces glycine 384 with arginine.
Molecular consequence: missense variant.
Genome position (GRCh38, 1-based): chr10:122,993,890, C>T on the plus strand (G>A on the coding strand, the complement: IKZF5 is on the minus strand). VCF-style: chr10-122993890-C-T. GRCh37 (hg19) VCF-style: chr10-124753406-C-T.
Other names: c.1150G>A, p.Gly384Arg (NM_001271840.1, NM_001372125.1, NM_001372126.1 and 3 more transcripts); c.946G>A, p.Gly316Arg (NM_001372124.1, NM_001372129.1, NM_001372130.1 and 1 more transcripts); short protein forms G316R, G384R.
Identifiers: ClinVar variation 2446258 (VCV002446258.2), dbSNP rs2493503895, ClinGen allele CA378610399.

ClinVar aggregate classification (germline): Uncertain significance (1 of 4 stars; one submission).

Submission:

GeneDx
Classification: Uncertain significance. Last evaluated: 2026-08-15. Review status: criteria provided, single submitter. Criteria: GeneDx Variant Classification Process June 2021. Collection method: clinical testing. Allele origin: germline.
Comment: Not observed at significant frequency in large population cohorts (gnomAD); In silico analysis supports that this missense variant has a deleterious effect on protein structure/function; Has not been previously published as pathogenic or benign to our knowledge